The following is an entry in ClinVar:

ClinVar aggregate classification (germline): Uncertain significance. Review status: criteria provided, multiple submitters, no conflicts (2 of 4 stars). 2 submissions from 2 submitters: Uncertain significance (2). Last evaluated 2025-08-20.

Conditions:
X-linked severe combined immunodeficiency (SCIDX1). Also called: IMMUNODEFICIENCY 4; SCID, X-LINKED; SEVERE COMBINED IMMUNODEFICIENCY, X-LINKED, T CELL-NEGATIVE, B CELL-POSITIVE, NK CELL-NEGATIVE; X-Linked Combined Immunodeficiency Diseases; T-B+ severe combined immunodeficiency due to gamma chain deficiency. Identifiers: Orphanet 276, MedGen C6022468, MONDO:0010315, OMIM 300400. Disease mechanism: loss of function.
Inborn genetic diseases. Identifiers: MedGen C0950123, MeSH D030342.

gnomAD v4.1: 4 of 1,180,228 alleles (0.00034%); highest among the groups gnomAD compares: Non-Finnish European, 0.00046%; no homozygotes.

Submissions (2):

Ambry Genetics
Classification: Uncertain significance for Inborn genetic diseases. Last evaluated: 2025-08-20. Review status: criteria provided, single submitter. Criteria: Ambry Variant Classification Scheme 2023. Collection method: clinical testing. Allele origin: germline.

Labcorp Genetics (formerly Invitae), Labcorp
Classification: Uncertain significance for X-linked severe combined immunodeficiency. Last evaluated: 2024-07-03. Review status: criteria provided, single submitter. Criteria: Invitae Variant Classification Sherloc (09022015). Collection method: clinical testing. Allele origin: germline.
Comment: This sequence change replaces threonine, which is neutral and polar, with arginine, which is basic and polar, at codon 286 of the IL2RG protein (p.Thr286Arg). This variant is not present in population databases (gnomAD no frequency). This variant has not been reported in the literature in individuals affected with IL2RG-related conditions. An algorithm developed to predict the effect of missense changes on protein structure and function (PolyPhen-2) suggests that this variant is likely to be tolerated. In summary, the available evidence is currently insufficient to determine the role of this variant in disease. Therefore, it has been classified as a Variant of Uncertain Significance.

NM_000206.3(IL2RG):c.857C>G (p.Thr286Arg)

Gene: IL2RG (interleukin 2 receptor subunit gamma; minus strand). Cytogenetic location: Xq13.1.
Variant type: single nucleotide variant.
Coding change: c.857C>G on transcript NM_000206.3 (MANE Select); coding-DNA position 857, C replaced by G.
Protein change: p.Thr286Arg; replaces threonine 286 with arginine.
Molecular consequence: missense variant.
Genome position (GRCh38, 1-based): chrX:71,108,344, G>C on the plus strand (C>G on the coding strand, the complement: IL2RG is on the minus strand). VCF-style: chrX-71108344-G-C. GRCh37 (hg19) VCF-style: chrX-70328194-G-C.
Other names: short protein forms T286R.
Identifiers: ClinVar variation 3607488 (VCV003607488.3).